The following is an entry in ClinVar:

ClinVar aggregate classification (germline): Uncertain significance (1 of 4 stars; one submission).

Conditions:
Congenital contractural arachnodactyly (CCA). Also called: BEALS SYNDROME; Beals-Hecht syndrome; Arthrogryposis, distal, type 9. Identifiers: Orphanet 115, MedGen C0220668, MONDO:0007363, OMIM 121050.

Allele frequency attached by ClinVar (database versions not stated): gnomAD exomes below 0.00001.
gnomAD v4.1: 1 of 1,613,556 alleles (0.000062%); highest among the groups gnomAD compares: Non-Finnish European, 0.000085%; no homozygotes.

Submission:

Labcorp Genetics (formerly Invitae), Labcorp
Classification: Uncertain significance for Congenital contractural arachnodactyly. Last evaluated: 2020-05-14. Review status: criteria provided, single submitter. Criteria: Invitae Variant Classification Sherloc (09022015). Collection method: clinical testing. Allele origin: germline.
Comment: In summary, the available evidence is currently insufficient to determine the role of this variant in disease. Therefore, it has been classified as a Variant of Uncertain Significance. Algorithms developed to predict the effect of missense changes on protein structure and function are either unavailable or do not agree on the potential impact of this missense change (SIFT: "Deleterious"; PolyPhen-2: "Benign"; Align-GVGD: "Class C0"). This variant has not been reported in the literature in individuals with FBN2-related conditions. This variant is not present in population databases (ExAC no frequency). This sequence change replaces serine with proline at codon 2659 of the FBN2 protein (p.Ser2659Pro). The serine residue is highly conserved and there is a moderate physicochemical difference between serine and proline.

NM_001999.4(FBN2):c.7975T>C (p.Ser2659Pro)

Gene: FBN2 (fibrillin 2; minus strand). Cytogenetic location: 5q23.3.
Variant type: single nucleotide variant.
Coding change: c.7975T>C on transcript NM_001999.4 (MANE Select); coding-DNA position 7975, T replaced by C.
Protein change: p.Ser2659Pro; replaces serine 2659 with proline.
Molecular consequence: missense variant.
Genome position (GRCh38, 1-based): chr5:128,263,642, A>G on the plus strand (T>C on the coding strand, the complement: FBN2 is on the minus strand). VCF-style: chr5-128263642-A-G. GRCh37 (hg19) VCF-style: chr5-127599334-A-G.
Other names: short protein forms S2659P.
Identifiers: ClinVar variation 1010406 (VCV001010406.9), dbSNP rs1765039937, ClinGen allele CA360749983.